The following is an entry in ClinVar:

NM_024592.5(SRD5A3):c.562+3del

Gene: SRD5A3 (steroid 5 alpha-reductase 3; plus strand). Cytogenetic location: 4q12.
Variant type: Deletion.
Coding change: c.562+3del on transcript NM_024592.5 (MANE Select); 3 bases into the intron after coding-DNA position 562, one base deleted (G; older notation c.562+3delG).
Molecular consequence: intron variant.
Genome position (GRCh38, 1-based): chr4:55,364,274, G deleted. VCF-style (leftmost placement, unchanged base first): chr4-55364273-TG-T. GRCh37 (hg19) VCF-style: chr4-56230440-TG-T.
Other names: c.562+3delG (NM_024592.5).
Identifiers: ClinVar variation 424415 (VCV000424415.13), dbSNP rs752307253, ClinGen allele CA2925316.
Genomic context (GRCh38, chr4:55,364,273, plus strand): 5'-CTATTATGTCCTTGTTGGCCTAACTGTGCTGAGCCAAGTGCCAATGGATGGCAGGAATGG[TG>T]AGTGGATCCAGCCCTGCCAGGAGCTCCCCACCCCAGGGTGTATGATGCGCTCTCGGGGCT-3'

ClinVar aggregate classification (germline): Conflicting classifications of pathogenicity. Review status: criteria provided, conflicting classifications (1 of 4 stars). 5 submissions from 5 submitters: Pathogenic (2); Uncertain significance (1). 2 of the submissions do not count toward it. Last evaluated 2025-08-21.

Conditions:
SRD5A3-related disorder. Also called: SRD5A3-related condition; SRD5A3-Related Disorders.
Congenital disorder of glycosylation (CDG). Also called: Carbohydrate-deficient glycoprotein syndrome; Congenital disorders of glycosylation. Identifiers: Orphanet 137, MedGen C0282577, MONDO:0015286.
SRD5A3-congenital disorder of glycosylation. Also called: Congenital disorder of glycosylation type 1Q; CDG Iq; Ocular colobomas, ichthyosis, brain malformations and endocrine abnormalities; COLOBOMA, OCULAR, WITH ICHTHYOSIS, BRAIN MALFORMATIONS, AND ENDOCRINE ABNORMALITIES; SRD5A3-CDG. Identifiers: Orphanet 324737, MedGen C4317224, MONDO:0012885, OMIM 612379.

Allele frequency attached by ClinVar (database versions not stated): gnomAD 0.00001; gnomAD exomes 0.00001 and 0.00003; TOPMed 0.00003; ExAC 0.00004.

Submissions (5):

Labcorp Genetics (formerly Invitae), Labcorp
Classification: Pathogenic for SRD5A3-congenital disorder of glycosylation. Last evaluated: 2025-08-21. Review status: criteria provided, single submitter. Criteria: Invitae Variant Classification Sherloc (09022015). Collection method: clinical testing. Allele origin: germline.
Comment: This sequence change falls in intron 3 of the SRD5A3 gene. It does not directly change the encoded amino acid sequence of the SRD5A3 protein. It affects a nucleotide within the consensus splice site. This variant is present in population databases (rs752307253, gnomAD 0.006%). This variant has been observed in individual(s) with clinical features of SRD5A3-congenital disorder of glycosylation (PMID: 27480077, 35339718; external communication). In at least one individual the data is consistent with being in trans (on the opposite chromosome) from a pathogenic variant. ClinVar contains an entry for this variant (Variation ID: 424415). Variants that disrupt the consensus splice site are a relatively common cause of aberrant splicing (PMID: 17576681, 9536098). Algorithms developed to predict the effect of sequence changes on RNA splicing suggest that this variant may disrupt the consensus splice site. For these reasons, this variant has been classified as Pathogenic.

Blueprint Genetics
Classification: Pathogenic for SRD5A3-related disorders. Last evaluated: 2024-08-12. Review status: criteria provided, single submitter. Criteria: ACMG Guidelines, 2015. Collection method: clinical testing. Allele origin: germline. Affected: yes. Observed: 5 variant alleles.

GeneDx
Classification: Uncertain significance. Last evaluated: 2019-06-13. Review status: criteria provided, single submitter. Criteria: GeneDx Variant Classification Process June 2021. Collection method: clinical testing. Allele origin: germline. Affected: yes.
Comment: Not observed at a significant frequency in large population cohorts (Lek et al., 2016); Non-canonical splice site variant predicted to result in an in-frame deletion of exon 3; This variant is associated with the following publications: (PMID: 27480077)

Institute of Human Genetics, FAU Erlangen, Friedrich-Alexander-Universität Erlangen-Nürnberg
Classification: Likely pathogenic for SRD5A3-congenital disorder of glycosylation. Last evaluated: 2021-06-28. Review status: no assertion criteria provided. Collection method: clinical testing. Allele origin: paternal. Inheritance: Autosomal recessive inheritance. Affected: yes. Observed: 1 compound heterozygote. Not counted in ClinVar's aggregate classification.

University of Washington Center for Mendelian Genomics, University of Washington
Classification: Likely pathogenic for Congenital Disorder of Glycosylation. Last evaluated: 2016-07-08. Review status: no assertion criteria provided. Collection method: research. Allele origin: unknown. Affected: yes. Observed: 2 compound heterozygotes. Not counted in ClinVar's aggregate classification.

Literature cited by the submitters: PubMed 27480077 (cited by 3 submitters); PubMed 35339718 (cited by Labcorp Genetics (formerly Invitae), Labcorp); PubMed 17576681 (cited by Labcorp Genetics (formerly Invitae), Labcorp); PubMed 9536098 (cited by Labcorp Genetics (formerly Invitae), Labcorp).